The following is an entry in ClinVar:

NM_000178.4(GSS):c.588G>A (p.Trp196Ter)

Gene: GSS (glutathione synthetase; minus strand). Cytogenetic location: 20q11.22.
Variant type: single nucleotide variant.
Coding change: c.588G>A on transcript NM_000178.4 (MANE Select); coding-DNA position 588, G replaced by A.
Protein change: p.Trp196Ter; replaces tryptophan 196 with a stop codon.
Molecular consequence: nonsense.
Genome position (GRCh38, 1-based): chr20:34,941,733, C>T on the plus strand (G>A on the coding strand, the complement: GSS is on the minus strand). VCF-style: chr20-34941733-C-T. GRCh37 (hg19) VCF-style: chr20-33529536-C-T.
Other names: c.588G>A, p.Trp196Ter (NM_001322494.1, NM_001322495.1); short protein forms W196*.
Identifiers: ClinVar variation 2903932 (VCV002903932.4), dbSNP rs1421472804, ClinGen allele CA408703804.

ClinVar aggregate classification (germline): Pathogenic/Likely pathogenic. Review status: criteria provided, multiple submitters, no conflicts (2 of 4 stars). 2 submissions from 2 submitters: Pathogenic (1); Likely pathogenic (1). Last evaluated 2025-08-14.

Conditions:
Autosomal recessive GSS-related disorders.
Glutathione synthetase deficiency with 5-oxoprolinuria. Also called: 5-OXOPROLINURIA DUE TO GLUTATHIONE SYNTHETASE DEFICIENCY; Reduced glutathione synthetase level; PYROGLUTAMIC ACIDURIA; 5-Oxoprolinuria; Gluthathione synthetase deficiency. Identifiers: Orphanet 289846, MedGen C0398746, MONDO:0009947, OMIM 266130, HP:0003343.

Allele frequency attached by ClinVar (database versions not stated): gnomAD exomes 0.00001.

Submissions (2):

Variantyx, Inc.
Classification: Likely pathogenic for Autosomal recessive GSS-related disorders. Last evaluated: 2025-08-14. Review status: criteria provided, single submitter. Criteria: Variantyx Assertion Criteria 2022. Collection method: clinical testing. Allele origin: germline. Inheritance: Autosomal recessive inheritance. Affected: no.
Comment: This is a nonsense variant in the GSS gene (OMIM: 601002). Pathogenic variants in this gene have been associated with autosomal recessive GSS-related disorders. This variant introduces a premature termination codon in exon 6 out of 13 and is expected to result in loss of function, which is a known disease mechanism for GSS in this disorder (PMID: 12638941, 15717202) (PVS1). This variant has a 0.0025% maximum allele frequency in non-founder control populations (PM2). Based on the current evidence, this variant is classified as likely pathogenic for autosomal recessive GSS-related disorders.

Labcorp Genetics (formerly Invitae), Labcorp
Classification: Pathogenic for Glutathione synthetase deficiency with 5-oxoprolinuria. Last evaluated: 2023-06-29. Review status: criteria provided, single submitter. Criteria: Invitae Variant Classification Sherloc (09022015). Collection method: clinical testing. Allele origin: germline.
Comment: This variant is present in population databases (no rsID available, gnomAD 0.0009%). This variant has not been reported in the literature in individuals affected with GSS-related conditions. For these reasons, this variant has been classified as Pathogenic. This sequence change creates a premature translational stop signal (p.Trp196*) in the GSS gene. It is expected to result in an absent or disrupted protein product. Loss-of-function variants in GSS are known to be pathogenic (PMID: 12638941, 15717202).

Literature cited by the submitters: PubMed 12638941 (cited by Variantyx, Inc. and Labcorp Genetics (formerly Invitae), Labcorp); PubMed 15717202 (cited by Variantyx, Inc. and Labcorp Genetics (formerly Invitae), Labcorp).